The following is an entry in ClinVar:

NM_001148.6(ANK2):c.7934A>T (p.Asp2645Val)

Genes: ANK2 (ankyrin 2; plus strand), LOC126807137 (CDK7 strongly-dependent group 2 enhancer GRCh37_chr4:114276560-114277759; plus strand). Cytogenetic location: 4q26.
Variant type: single nucleotide variant.
Coding change: c.7934A>T on transcript NM_001148.6 (MANE Select); coding-DNA position 7934, A replaced by T.
Protein change: p.Asp2645Val; replaces aspartic acid 2645 with valine.
Molecular consequence: missense variant. On other transcripts: intron variant (68).
Genome position (GRCh38, 1-based): chr4:113,356,552, A>T. VCF-style: chr4-113356552-A-T. GRCh37 (hg19) VCF-style: chr4-114277708-A-T.
Other names: c.7700A>T, p.Asp2567Val (NM_001386142.1); c.4334A>T, p.Asp1445Val (NM_001386166.1); c.8075A>T, p.Asp2692Val (NM_001386174.1); c.8051A>T, p.Asp2684Val (NM_001386175.1); c.4412-4271A>T (NM_001386186.2, NM_001386148.2); c.4214-4271A>T (NM_001354269.3); c.4292-4271A>T (NM_001386187.2); c.4253-4271A>T (NM_001386147.1); and 35 more; short protein forms D1445V, D2567V, D2645V, D2684V, D2692V.
Identifiers: ClinVar variation 4874485 (VCV004874485.2).

ClinVar aggregate classification (germline): Uncertain significance (1 of 4 stars; one submission).

Submission:

CeGaT Center for Human Genetics Tuebingen
Classification: Uncertain significance. Last evaluated: 2026-04-01. Review status: criteria provided, single submitter. Criteria: CeGaT Center For Human Genetics Tuebingen Variant Classification Criteria Version 2. Collection method: clinical testing. Allele origin: germline. Affected: yes. Observed: 1 variant allele.
Comment: ANK2: PM2, BP4